The following is an entry in ClinVar:

ClinVar aggregate classification (germline): Uncertain significance. Review status: criteria provided, multiple submitters, no conflicts (2 of 4 stars). 3 submissions from 3 submitters: Uncertain significance (3). Last evaluated 2024-06-19.

Conditions:
Inborn genetic diseases. Identifiers: MedGen C0950123, MeSH D030342.

Allele frequency attached by ClinVar (database versions not stated): gnomAD exomes below 0.00001 and 0.00001; ExAC 0.00001; gnomAD 0.00002 and 0.00003; TOPMed 0.00002.
gnomAD v4.1: 7 of 1,612,004 alleles (0.00043%); highest among the groups gnomAD compares: African/African-American, 0.004%; no homozygotes.

Submissions (3):

Blueprint Genetics
Classification: Uncertain significance. Last evaluated: 2024-06-19. Review status: criteria provided, single submitter. Criteria: ACMG Guidelines, 2015. Collection method: clinical testing. Allele origin: germline.

Ambry Genetics
Classification: Uncertain significance for Inborn genetic diseases. Last evaluated: 2024-05-16. Review status: criteria provided, single submitter. Criteria: Ambry Variant Classification Scheme 2023. Collection method: clinical testing. Allele origin: germline.

Labcorp Genetics (formerly Invitae), Labcorp
Classification: Uncertain significance. Last evaluated: 2022-07-01. Review status: criteria provided, single submitter. Criteria: Invitae Variant Classification Sherloc (09022015). Collection method: clinical testing. Allele origin: germline.
Comment: This sequence change replaces aspartic acid, which is acidic and polar, with glutamic acid, which is acidic and polar, at codon 1182 of the CNGB1 protein (p.Asp1182Glu). This variant is present in population databases (rs760331816, gnomAD 0.004%). This variant has not been reported in the literature in individuals affected with CNGB1-related conditions. ClinVar contains an entry for this variant (Variation ID: 1374992). Advanced modeling of protein sequence and biophysical properties (such as structural, functional, and spatial information, amino acid conservation, physicochemical variation, residue mobility, and thermodynamic stability) performed at Invitae indicates that this missense variant is not expected to disrupt CNGB1 protein function. In summary, the available evidence is currently insufficient to determine the role of this variant in disease. Therefore, it has been classified as a Variant of Uncertain Significance.

NM_001297.5(CNGB1):c.3546C>A (p.Asp1182Glu)

Gene: CNGB1 (cyclic nucleotide gated channel subunit beta 1; minus strand). Cytogenetic location: 16q21.
Variant type: single nucleotide variant.
Coding change: c.3546C>A on transcript NM_001297.5 (MANE Select); coding-DNA position 3546, C replaced by A.
Protein change: p.Asp1182Glu; replaces aspartic acid 1182 with glutamic acid.
Molecular consequence: missense variant.
Genome position (GRCh38, 1-based): chr16:57,884,374, G>T on the plus strand (C>A on the coding strand, the complement: CNGB1 is on the minus strand). VCF-style: chr16-57884374-G-T. GRCh37 (hg19) VCF-style: chr16-57918278-G-T.
Other names: c.3528C>A, p.Asp1176Glu (NM_001286130.2); c.3546C>A (NM_001297.4); short protein forms D1176E, D1182E.
Identifiers: ClinVar variation 1374992 (VCV001374992.7), dbSNP rs760331816, ClinGen allele CA8082512.